The following is an entry in ClinVar:

NM_144670.6(A2ML1):c.4309G>A (p.Asp1437Asn)

Gene: A2ML1 (alpha-2-macroglobulin like 1; plus strand). Cytogenetic location: 12p13.31.
Variant type: single nucleotide variant.
Coding change: c.4309G>A on transcript NM_144670.6 (MANE Select); coding-DNA position 4309, G replaced by A.
Protein change: p.Asp1437Asn; replaces aspartic acid 1437 with asparagine.
Molecular consequence: missense variant.
Genome position (GRCh38, 1-based): chr12:8,874,512, G>A. VCF-style: chr12-8874512-G-A. GRCh37 (hg19) VCF-style: chr12-9027108-G-A.
Other names: c.2836G>A, p.Asp946Asn (NM_001282424.3); short protein forms D1437N, D946N.
Identifiers: ClinVar variation 1739601 (VCV001739601.5), dbSNP rs1489008035, ClinGen allele CA383814656.

ClinVar aggregate classification (germline): Uncertain significance. Review status: criteria provided, multiple submitters, no conflicts (2 of 4 stars). 2 submissions from 2 submitters: Uncertain significance (2). Last evaluated 2024-10-24.

Allele frequency attached by ClinVar (database versions not stated): gnomAD exomes below 0.00001; gnomAD 0.00001; TOPMed 0.00001.
gnomAD v4.1: 4 of 1,613,470 alleles (0.00025%); highest among the groups gnomAD compares: African/African-American, 0.0013%; no homozygotes.

Submissions (2):

Labcorp Genetics (formerly Invitae), Labcorp
Classification: Uncertain significance. Last evaluated: 2024-10-24. Review status: criteria provided, single submitter. Criteria: Invitae Variant Classification Sherloc (09022015). Collection method: clinical testing. Allele origin: germline.
Comment: This sequence change replaces aspartic acid, which is acidic and polar, with asparagine, which is neutral and polar, at codon 1437 of the A2ML1 protein (p.Asp1437Asn). This variant is present in population databases (no rsID available, gnomAD 0.007%). This variant has not been reported in the literature in individuals affected with A2ML1-related conditions. ClinVar contains an entry for this variant (Variation ID: 1739601). An algorithm developed to predict the effect of missense changes on protein structure and function (PolyPhen-2) suggests that this variant is likely to be disruptive. In summary, the available evidence is currently insufficient to determine the role of this variant in disease. Therefore, it has been classified as a Variant of Uncertain Significance.

Ambry Genetics
Classification: Uncertain significance. Last evaluated: 2022-08-27. Review status: criteria provided, single submitter. Criteria: Ambry Variant Classification Scheme 2023. Collection method: clinical testing. Allele origin: germline.
Comment: The p.D1437N variant (also known as c.4309G>A), located in coding exon 34 of the A2ML1 gene, results from a G to A substitution at nucleotide position 4309. The aspartic acid at codon 1437 is replaced by asparagine, an amino acid with highly similar properties. This amino acid position is conserved. In addition, this alteration is predicted to be tolerated by in silico analysis. Since supporting evidence is limited at this time, the clinical significance of this alteration remains unclear.